The following is an entry in ClinVar:

NM_005359.6(SMAD4):c.1447+4A>G

Gene: SMAD4 (SMAD family member 4; plus strand). Cytogenetic location: 18q21.2.
Variant type: single nucleotide variant.
Coding change: c.1447+4A>G on transcript NM_005359.6 (MANE Select); 4 bases into the intron after coding-DNA position 1447, A replaced by G.
Molecular consequence: intron variant.
Genome position (GRCh38, 1-based): chr18:51,076,780, A>G. VCF-style: chr18-51076780-A-G. GRCh37 (hg19) VCF-style: chr18-48603150-A-G.
Identifiers: ClinVar variation 582314 (VCV000582314.5), dbSNP rs778631062, ClinGen allele CA402465402.

ClinVar aggregate classification (germline): Uncertain significance (1 of 4 stars; one submission).

Conditions:
Juvenile polyposis syndrome (JPS). Identifiers: Orphanet 2929, MedGen C0345893, MONDO:0017380, OMIM 174900.

Submission:

Labcorp Genetics (formerly Invitae), Labcorp
Classification: Uncertain significance for Juvenile polyposis syndrome. Last evaluated: 2018-06-03. Review status: criteria provided, single submitter. Criteria: Invitae Variant Classification Sherloc (09022015). Collection method: clinical testing. Allele origin: germline.
Comment: This sequence change falls in intron 11 of the SMAD4 gene. It does not directly change the encoded amino acid sequence of the SMAD4 protein, but it affects a nucleotide within the consensus splice site of the intron. This variant is not present in population databases (ExAC no frequency). This variant has not been reported in the literature in individuals with SMAD4-related disease. Nucleotide substitutions within the consensus splice site are a relatively common cause of aberrant splicing (PMID: 17576681, 9536098). Algorithms developed to predict the effect of sequence changes on RNA splicing suggest that this variant may disrupt the consensus splice site, but this prediction has not been confirmed by published transcriptional studies. In summary, the available evidence is currently insufficient to determine the role of this variant in disease. Therefore, it has been classified as a Variant of Uncertain Significance.

Literature cited by the submitters: PubMed 17576681; PubMed 9536098.